The following is an entry in ClinVar:

NM_004153.4(ORC1):c.1955T>C (p.Ile652Thr)

Gene: ORC1 (origin recognition complex subunit 1; minus strand). Cytogenetic location: 1p32.3.
Variant type: single nucleotide variant.
Coding change: c.1955T>C on transcript NM_004153.4 (MANE Select); coding-DNA position 1955, T replaced by C.
Protein change: p.Ile652Thr; replaces isoleucine 652 with threonine.
Molecular consequence: missense variant.
Genome position (GRCh38, 1-based): chr1:52,383,478, A>G on the plus strand (T>C on the coding strand, the complement: ORC1 is on the minus strand). VCF-style: chr1-52383478-A-G. GRCh37 (hg19) VCF-style: chr1-52849150-A-G.
Other names: c.1955T>C, p.Ile652Thr (NM_001190818.2); c.1940T>C, p.Ile647Thr (NM_001190819.2); short protein forms I647T, I652T.
Identifiers: ClinVar variation 1363622 (VCV001363622.6), dbSNP rs1647099658, ClinGen allele CA340351225.

ClinVar aggregate classification (germline): Uncertain significance (1 of 4 stars; one submission).

Allele frequency attached by ClinVar (database versions not stated): gnomAD exomes below 0.00001; gnomAD 0.00001; TOPMed 0.00002.
gnomAD v4.1: 2 of 1,613,396 alleles (0.00012%); highest among the groups gnomAD compares: African/African-American, 0.0027%; no homozygotes.

Submission:

Labcorp Genetics (formerly Invitae), Labcorp
Classification: Uncertain significance. Last evaluated: 2021-10-21. Review status: criteria provided, single submitter. Criteria: Invitae Variant Classification Sherloc (09022015). Collection method: clinical testing. Allele origin: germline.
Comment: This sequence change replaces isoleucine with threonine at codon 652 of the ORC1 protein (p.Ile652Thr). The isoleucine residue is highly conserved and there is a moderate physicochemical difference between isoleucine and threonine. This variant is not present in population databases (ExAC no frequency). This variant has not been reported in the literature in individuals affected with ORC1-related conditions. Algorithms developed to predict the effect of missense changes on protein structure and function (SIFT, PolyPhen-2, Align-GVGD) all suggest that this variant is likely to be disruptive. In summary, the available evidence is currently insufficient to determine the role of this variant in disease. Therefore, it has been classified as a Variant of Uncertain Significance.